The following is an entry in ClinVar:

ClinVar aggregate classification (germline): Benign/Likely benign. Review status: criteria provided, multiple submitters, no conflicts (2 of 4 stars). 5 submissions from 5 submitters: Benign (2); Likely benign (2). 1 of the submissions does not count toward it. Last evaluated 2025-12-17.

Conditions:
ACADS-related disorder. Also called: ACADS-related condition.
Deficiency of butyryl-CoA dehydrogenase (ACADSD). Also called: SCADH DEFICIENCY; ACADS DEFICIENCY; Short-Chain Acyl-CoA Dehydrogenase Deficiency; SCAD DEFICIENCY, MILD; ACYL-CoA DEHYDROGENASE, SHORT-CHAIN, DEFICIENCY OF; SCAD Deficiency. Identifiers: Orphanet 26792, MedGen C0342783, MONDO:0008722, OMIM 201470. Disease mechanism: May be benign.

Allele frequency attached by ClinVar (database versions not stated): gnomAD 0.00169; TOPMed 0.00192; ESP Exome Variant Server 0.00246; 1000 Genomes Project 0.00419; 1000 Genomes Project 30x 0.00437.

Submissions (6):

Labcorp Genetics (formerly Invitae), Labcorp
Classification: Benign for Deficiency of butyryl-CoA dehydrogenase. Last evaluated: 2025-12-17. Review status: criteria provided, single submitter. Criteria: Invitae Variant Classification Sherloc (09022015). Collection method: clinical testing. Allele origin: germline.

Blueprint Genetics
Classification: Likely benign. Last evaluated: 2024-11-13. Review status: criteria provided, single submitter. Criteria: ACMG Guidelines, 2015. Collection method: clinical testing. Allele origin: germline.

CeGaT Center for Human Genetics Tuebingen
Classification: Likely benign. Last evaluated: 2023-09-01. Review status: criteria provided, single submitter. Criteria: CeGaT Center For Human Genetics Tuebingen Variant Classification Criteria Version 2. Collection method: clinical testing. Allele origin: germline. Affected: yes. Observed: 1 variant allele.
Comment: ACADS: BP4, BP7, BS2

Breakthrough Genomics
Classification: Benign. Review status: criteria provided, single submitter. Criteria: ACMG Guidelines, 2015. Collection method: not provided. Allele origin: germline. Inheritance: Autosomal recessive inheritance. Affected: yes.

PreventionGenetics, part of Exact Sciences
Classification: Likely benign for ACADS-related condition. Last evaluated: 2022-05-20. Review status: no assertion criteria provided. Collection method: clinical testing. Allele origin: germline. Not counted in ClinVar's aggregate classification.
Comment: This variant is classified as likely benign based on ACMG/AMP sequence variant interpretation guidelines (Richards et al. 2015 PMID: 25741868, with internal and published modifications).

Dr. Peter K. Rogan Lab, Western University
No classification provided (evidence only). Condition: Uterine corpus endometrial carcinoma. Review status: no classification provided. Collection method: in vitro. Allele origin: not applicable. Functional consequence: retained intron. Not counted in ClinVar's aggregate classification.

NM_000017.4(ACADS):c.522C>T (p.Gly174=)

Gene: ACADS (acyl-CoA dehydrogenase short chain; plus strand). Cytogenetic location: 12q24.31.
Variant type: single nucleotide variant.
Coding change: c.522C>T on transcript NM_000017.4 (MANE Select); coding-DNA position 522, C replaced by T.
Protein change: p.Gly174=; no amino-acid change (glycine 174 retained).
Molecular consequence: synonymous variant. On other transcripts: intron variant (1).
Genome position (GRCh38, 1-based): chr12:120,737,886, C>T. VCF-style: chr12-120737886-C-T. GRCh37 (hg19) VCF-style: chr12-121175689-C-T.
Other names: c.473-163C>T (NM_001302554.2).
Identifiers: ClinVar variation 772709 (VCV000772709.37), dbSNP rs143925225, ClinGen allele CA6830930.